The following is an entry in ClinVar:

ClinVar aggregate classification (germline): Uncertain significance (1 of 4 stars; one submission).

Conditions:
CC2D2A-related disorder. Also called: CC2D2A-related condition; CC2D2A-related disorders. Identifiers: MedGen CN239313.

gnomAD v4.1: 1 of 1,557,986 alleles (0.000064%); no homozygotes.

Submission:

PreventionGenetics, part of Exact Sciences
Classification: Uncertain significance for CC2D2A-related condition. Last evaluated: 2025-04-24. Review status: criteria provided, single submitter. Criteria: ACMG Guidelines, 2015. Collection method: clinical testing. Allele origin: germline.
Comment: The CC2D2A c.2119G>C variant is predicted to result in the amino acid substitution p.Val707Leu. To our knowledge, this variant has not been reported in the literature or in a large population database (gnomAD), indicating this variant is rare. At this time, the clinical significance of this variant is uncertain due to the absence of conclusive functional and genetic evidence.

NM_001378615.1(CC2D2A):c.2119G>C (p.Val707Leu)

Genes: CC2D2A (coiled-coil and C2 domain containing 2A; plus strand), FBXL5 (F-box and leucine rich repeat protein 5; minus strand). Cytogenetic location: 4p15.32.
Variant type: single nucleotide variant.
Coding change: c.2119G>C on transcript NM_001378615.1 (MANE Select); coding-DNA position 2119, G replaced by C.
Protein change: p.Val707Leu; replaces valine 707 with leucine.
Molecular consequence: missense variant.
Genome position (GRCh38, 1-based): chr4:15,540,952, G>C. VCF-style: chr4-15540952-G-C. GRCh37 (hg19) VCF-style: chr4-15542575-G-C.
Other names: c.2119G>C, p.Val707Leu (NM_001080522.2); c.1972G>C, p.Val658Leu (NM_001378617.1); short protein forms V658L, V707L.
Identifiers: ClinVar variation 4999941 (VCV004999941.1).